The following is an entry in ClinVar:

NM_000088.4(COL1A1):c.588+7A>T

Gene: COL1A1 (collagen type I alpha 1 chain; minus strand). Cytogenetic location: 17q21.33.
Variant type: single nucleotide variant.
Coding change: c.588+7A>T on transcript NM_000088.4 (MANE Select); 7 bases into the intron after coding-DNA position 588, A replaced by T.
Molecular consequence: intron variant.
Genome position (GRCh38, 1-based): chr17:50,198,154, T>A on the plus strand (A>T on the coding strand, the complement: COL1A1 is on the minus strand). VCF-style: chr17-50198154-T-A. GRCh37 (hg19) VCF-style: chr17-48275515-T-A.
Identifiers: ClinVar variation 2693891 (VCV002693891.3), dbSNP rs946777766, ClinGen allele CA291548208.

ClinVar aggregate classification (germline): Uncertain significance (1 of 4 stars; one submission).

Conditions:
Osteogenesis imperfecta type I (OI1). Also called: Lobstein's Disease; Lobstein disease; OI, TYPE I; OSTEOGENESIS IMPERFECTA TARDA; OSTEOGENESIS IMPERFECTA WITH BLUE SCLERAE; Osteogenesis imperfecta type 1. Identifiers: Orphanet 216796, Orphanet 666, MedGen C0023931, MONDO:0008146, OMIM 166200. Disease mechanism: loss of function.

Allele frequency attached by ClinVar (database versions not stated): gnomAD exomes below 0.00001; gnomAD 0.00001; TOPMed 0.00001.
gnomAD v4.1: 2 of 1,613,830 alleles (0.00012%); highest among the groups gnomAD compares: African/African-American, 0.0027%; no homozygotes.

Submission:

Labcorp Genetics (formerly Invitae), Labcorp
Classification: Uncertain significance for Osteogenesis imperfecta type I. Last evaluated: 2023-10-09. Review status: criteria provided, single submitter. Criteria: Invitae Variant Classification Sherloc (09022015). Collection method: clinical testing. Allele origin: germline.
Comment: This sequence change falls in intron 7 of the COL1A1 gene. It does not directly change the encoded amino acid sequence of the COL1A1 protein. This variant is not present in population databases (gnomAD no frequency). This variant has not been reported in the literature in individuals affected with COL1A1-related conditions. Algorithms developed to predict the effect of sequence changes on RNA splicing suggest that this variant may create or strengthen a splice site. In summary, the available evidence is currently insufficient to determine the role of this variant in disease. Therefore, it has been classified as a Variant of Uncertain Significance.